The following is an entry in ClinVar:

NM_000057.4(BLM):c.4006A>G (p.Arg1336Gly)

Gene: BLM (BLM RecQ like helicase; plus strand). Cytogenetic location: 15q26.1.
Variant type: single nucleotide variant.
Coding change: c.4006A>G on transcript NM_000057.4 (MANE Select); coding-DNA position 4006, A replaced by G.
Protein change: p.Arg1336Gly; replaces arginine 1336 with glycine.
Molecular consequence: missense variant.
Genome position (GRCh38, 1-based): chr15:90,811,336, A>G. VCF-style: chr15-90811336-A-G. GRCh37 (hg19) VCF-style: chr15-91354566-A-G.
Other names: c.4006A>G, p.Arg1336Gly (NM_001287246.2); c.3613A>G, p.Arg1205Gly (NM_001287247.2); c.2881A>G, p.Arg961Gly (NM_001287248.2); short protein forms R961G, R1336G, R1205G.
Identifiers: ClinVar variation 961255 (VCV000961255.12), dbSNP rs1897414526, ClinGen allele CA393851199.

ClinVar aggregate classification (germline): Uncertain significance. Review status: criteria provided, multiple submitters, no conflicts (2 of 4 stars). 2 submissions from 2 submitters: Uncertain significance (2). Last evaluated 2024-12-23.

Conditions:
Hereditary cancer-predisposing syndrome. Also called: Tumor predisposition; Hereditary neoplastic syndrome; Hereditary Cancer Syndrome; Neoplastic Syndromes, Hereditary. Identifiers: Orphanet 140162, MedGen C0027672, MeSH D009386, MONDO:0015356.
Bloom syndrome (BLM). Also called: Bloom-Torre-Machacek syndrome. Identifiers: Orphanet 125, MedGen C0005859, MONDO:0008876, OMIM 210900.

Submissions (2):

Labcorp Genetics (formerly Invitae), Labcorp
Classification: Uncertain significance for Bloom syndrome. Last evaluated: 2024-12-23. Review status: criteria provided, single submitter. Criteria: Invitae Variant Classification Sherloc (09022015). Collection method: clinical testing. Allele origin: germline.
Comment: This sequence change replaces arginine, which is basic and polar, with glycine, which is neutral and non-polar, at codon 1336 of the BLM protein (p.Arg1336Gly). This variant is not present in population databases (gnomAD no frequency). This variant has not been reported in the literature in individuals affected with BLM-related conditions. ClinVar contains an entry for this variant (Variation ID: 961255). Invitae Evidence Modeling of protein sequence and biophysical properties (such as structural, functional, and spatial information, amino acid conservation, physicochemical variation, residue mobility, and thermodynamic stability) indicates that this missense variant is not expected to disrupt BLM protein function with a negative predictive value of 80%. In summary, the available evidence is currently insufficient to determine the role of this variant in disease. Therefore, it has been classified as a Variant of Uncertain Significance.

Ambry Genetics
Classification: Uncertain significance for Hereditary cancer-predisposing syndrome. Last evaluated: 2023-12-17. Review status: criteria provided, single submitter. Criteria: Ambry Variant Classification Scheme 2023. Collection method: clinical testing. Allele origin: germline.
Comment: The p.R1336G variant (also known as c.4006A>G), located in coding exon 20 of the BLM gene, results from an A to G substitution at nucleotide position 4006. The arginine at codon 1336 is replaced by glycine, an amino acid with dissimilar properties. This amino acid position is conserved. In addition, the in silico prediction for this alteration is inconclusive. Since supporting evidence is limited at this time, the clinical significance of this alteration remains unclear.